The following is an entry in ClinVar:

ClinVar aggregate classification (germline): Uncertain significance (1 of 4 stars; one submission).

Submission:

Labcorp Genetics (formerly Invitae), Labcorp
Classification: Uncertain significance. Last evaluated: 2025-11-24. Review status: criteria provided, single submitter. Criteria: Invitae Variant Classification Sherloc (09022015). Collection method: clinical testing. Allele origin: germline.
Comment: This sequence change replaces arginine, which is basic and polar, with histidine, which is basic and polar, at codon 266 of the FAR1 protein (p.Arg266His). This variant is present in population databases (no rsID available, gnomAD 0.0009%). This variant has not been reported in the literature in individuals affected with FAR1-related conditions. ClinVar contains an entry for this variant (Variation ID: 1945920). Invitae Evidence Modeling of protein sequence and biophysical properties (such as structural, functional, and spatial information, amino acid conservation, physicochemical variation, residue mobility, and thermodynamic stability) indicates that this missense variant is not expected to disrupt FAR1 protein function with a negative predictive value of 80%. In summary, the available evidence is currently insufficient to determine the role of this variant in disease. Therefore, it has been classified as a Variant of Uncertain Significance.

NM_032228.6(FAR1):c.797G>A (p.Arg266His)

Gene: FAR1 (fatty acyl-CoA reductase 1; plus strand). Cytogenetic location: 11p15.3.
Variant type: single nucleotide variant.
Coding change: c.797G>A on transcript NM_032228.6 (MANE Select); coding-DNA position 797, G replaced by A.
Protein change: p.Arg266His; replaces arginine 266 with histidine.
Molecular consequence: missense variant.
Genome position (GRCh38, 1-based): chr11:13,711,956, G>A. VCF-style: chr11-13711956-G-A. GRCh37 (hg19) VCF-style: chr11-13733503-G-A.
Other names: short protein forms R266H.
Identifiers: ClinVar variation 1945920 (VCV001945920.5), dbSNP rs1169997159, ClinGen allele CA379857732.
Genomic context (GRCh38, chr11:13,711,956, plus strand): 5'-ATCTTAAGGTGTTGTTTTTAATTTCAACAAAGGCAGGGAAAGGAATTCTTCGAACAATAC[G>A]TGCCTCCAACAATGCCCTTGCAGATCTTGTTCCTGTAGATGTAGTTGTCAACATGAGTCT-3'
Protein context (NP_115604.1, residues 256-276): AAGKGILRTI[Arg266His]ASNNALADLV